The following is an entry in ClinVar:

ClinVar aggregate classification (germline): Conflicting classifications of pathogenicity. Review status: criteria provided, conflicting classifications (1 of 4 stars). 2 submissions from 2 submitters: Uncertain significance (1); Likely benign (1). Last evaluated 2023-03-23.

Conditions:
Hereditary cancer-predisposing syndrome. Also called: Tumor predisposition; Hereditary neoplastic syndrome; Neoplastic Syndromes, Hereditary; Hereditary Cancer Syndrome. Identifiers: Orphanet 140162, MedGen C0027672, MeSH D009386, MONDO:0015356.
Hereditary breast ovarian cancer syndrome. Also called: Breast and ovarian cancer; BRCA1- and BRCA2-Associated Hereditary Breast and Ovarian Cancer; Hereditary breast and ovarian cancer; Hereditary breast and ovarian cancer syndrome (HBOC); Hereditary breast and/or ovarian cancer syndrome; Hereditary breast and ovarian cancer syndrome. Identifiers: Orphanet 145, MedGen C0677776, MeSH D061325, MONDO:0003582. Disease mechanism: loss of function.

Submissions (2):

University of Washington Department of Laboratory Medicine, University of Washington
Classification: Likely benign for Hereditary cancer-predisposing syndrome. Last evaluated: 2023-03-23. Review status: criteria provided, single submitter. Criteria: Dines et al. (Genet Med. 2020). Collection method: curation. Allele origin: germline.
Comment: Missense variant in a coldspot region where missense variants are very unlikely to be pathogenic (PMID:31911673).

BRCA2 exon 10 coldspot. Reclassification based on statistical prior probability.

Labcorp Genetics (formerly Invitae), Labcorp
Classification: Uncertain significance for Hereditary breast ovarian cancer syndrome. Last evaluated: 2019-12-27. Review status: criteria provided, single submitter. Criteria: Invitae Variant Classification Sherloc (09022015). Collection method: clinical testing. Allele origin: germline.
Comment: In summary, the available evidence is currently insufficient to determine the role of this variant in disease. Therefore, it has been classified as a Variant of Uncertain Significance. Algorithms developed to predict the effect of missense changes on protein structure and function (SIFT, PolyPhen-2, Align-GVGD) all suggest that this variant is likely to be tolerated, but these predictions have not been confirmed by published functional studies and their clinical significance is uncertain. This variant has not been reported in the literature in individuals with BRCA2-related conditions. This variant is not present in population databases (ExAC no frequency). This sequence change replaces leucine with phenylalanine at codon 429 of the BRCA2 protein (p.Leu429Phe). The leucine residue is weakly conserved and there is a small physicochemical difference between leucine and phenylalanine.

NM_000059.4(BRCA2):c.1287A>T (p.Leu429Phe)

Gene: BRCA2 (BRCA2 DNA repair associated; plus strand). Cytogenetic location: 13q13.1.
Variant type: single nucleotide variant.
Coding change: c.1287A>T on transcript NM_000059.4 (MANE Select); coding-DNA position 1287, A replaced by T.
Protein change: p.Leu429Phe; replaces leucine 429 with phenylalanine.
Molecular consequence: missense variant.
Genome position (GRCh38, 1-based): chr13:32,332,765, A>T. VCF-style: chr13-32332765-A-T. GRCh37 (hg19) VCF-style: chr13-32906902-A-T.
Other names: short protein forms L429F.
Identifiers: ClinVar variation 858130 (VCV000858130.14), dbSNP rs80359782, ClinGen allele CA387762456.